The following is an entry in ClinVar:

NM_014363.6(SACS):c.9821C>G (p.Thr3274Ser)

Gene: SACS (sacsin molecular chaperone; minus strand). Cytogenetic location: 13q12.12.
Variant type: single nucleotide variant.
Coding change: c.9821C>G on transcript NM_014363.6 (MANE Select); coding-DNA position 9821, C replaced by G.
Protein change: p.Thr3274Ser; replaces threonine 3274 with serine.
Molecular consequence: missense variant.
Genome position (GRCh38, 1-based): chr13:23,334,055, G>C on the plus strand (C>G on the coding strand, the complement: SACS is on the minus strand). VCF-style: chr13-23334055-G-C. GRCh37 (hg19) VCF-style: chr13-23908194-G-C.
Other names: c.9380C>G, p.Thr3127Ser (NM_001278055.2); c.9821C>G (NM_014363.4); short protein forms T3127S, T3274S.
Identifiers: ClinVar variation 2053217 (VCV002053217.9), dbSNP rs772932340, ClinGen allele CA6910558.

ClinVar aggregate classification (germline): Conflicting classifications of pathogenicity. Review status: criteria provided, conflicting classifications (1 of 4 stars). 4 submissions from 4 submitters: Uncertain significance (3); Benign (1). Last evaluated 2025-05-07.

Conditions:
Spastic paraplegia. Identifiers: MedGen C0037772, HP:0001258.
Inborn genetic diseases. Identifiers: MedGen C0950123, MeSH D030342.

Allele frequency attached by ClinVar (database versions not stated): gnomAD 0.00001; ExAC 0.00007.
gnomAD v4.1: 17 of 1,613,682 alleles (0.0011%); highest among the groups gnomAD compares: Admixed American, 0.027%; no homozygotes.

Submissions (4):

Ambry Genetics
Classification: Uncertain significance for Inborn genetic diseases. Last evaluated: 2025-05-07. Review status: criteria provided, single submitter. Criteria: Ambry Variant Classification Scheme 2023. Collection method: clinical testing. Allele origin: germline.

Labcorp Genetics (formerly Invitae), Labcorp
Classification: Benign for Spastic paraplegia. Last evaluated: 2025-01-20. Review status: criteria provided, single submitter. Criteria: Invitae Variant Classification Sherloc (09022015). Collection method: clinical testing. Allele origin: germline.

Athena Diagnostics
Classification: Uncertain significance. Last evaluated: 2024-12-26. Review status: criteria provided, single submitter. Criteria: Athena Diagnostics Criteria. Collection method: clinical testing. Allele origin: unknown.
Comment: Available data are insufficient to determine the clinical significance of the variant at this time. The frequency of this variant in the general population is uninformative in assessment of its pathogenicity. Polyphen and MutationTaster predict this amino acid change may be benign.

GeneDx
Classification: Uncertain significance. Last evaluated: 2023-05-30. Review status: criteria provided, single submitter. Criteria: GeneDx Variant Classification Process June 2021. Collection method: clinical testing. Allele origin: germline. Affected: yes.
Comment: In silico analysis supports that this missense variant does not alter protein structure/function; Has not been previously published as pathogenic or benign to our knowledge